The following is an entry in ClinVar:

NM_004006.3(DMD):c.7577dup (p.Leu2527fs)

Gene: DMD (dystrophin; minus strand). Cytogenetic location: Xp21.1.
Variant type: Duplication.
Coding change: c.7577dup on transcript NM_004006.3 (MANE Select); coding-DNA position 7577, one base duplicated (A; older notation c.7577dupA).
Protein change: p.Leu2527fs; shifts the reading frame from leucine 2527.
Molecular consequence: frameshift variant.
Genome position (GRCh38, 1-based): chrX:31,729,714, T duplicated on the plus strand (A on the coding strand, the reverse complement: DMD is on the minus strand). VCF-style (leftmost placement, unchanged base first): chrX-31729713-C-CT. GRCh37 (hg19) VCF-style: chrX-31747830-C-CT.
Other names: c.7553dup, p.Leu2519fs (NM_000109.4); c.7565dup, p.Leu2523fs (NM_004009.3); c.7208dup, p.Leu2404fs (NM_004010.3); c.3554dup, p.Leu1186fs (NM_004011.4); c.3545dup, p.Leu1183fs (NM_004012.4); c.197dup, p.Leu67fs (NM_004013.3, NM_004020.4, NM_004021.3 and 2 more transcripts); short protein forms L2404fs, L1183fs, L67fs, L2519fs, L2527fs, L1186fs, L2523fs.
Identifiers: ClinVar variation 972352 (VCV000972352.8), dbSNP rs2086356460, ClinGen allele CA1139667367.

ClinVar aggregate classification (germline): Pathogenic (1 of 4 stars; one submission).

Conditions:
Duchenne muscular dystrophy (DMD). Also called: MUSCULAR DYSTROPHY, PSEUDOHYPERTROPHIC PROGRESSIVE, DUCHENNE TYPE; Duchenne Muscular Dystrophy (DMD). Identifiers: Orphanet 98896, MedGen C0013264, MONDO:0010679, OMIM 310200.

Submission:

Labcorp Genetics (formerly Invitae), Labcorp
Classification: Pathogenic for Duchenne muscular dystrophy. Last evaluated: 2020-07-01. Review status: criteria provided, single submitter. Criteria: Invitae Variant Classification Sherloc (09022015). Collection method: clinical testing. Allele origin: germline.
Comment: For these reasons, this variant has been classified as Pathogenic. Loss-of-function variants in DMD are known to be pathogenic (PMID: 16770791, 25007885). This variant has not been reported in the literature in individuals with DMD-related conditions. This variant is not present in population databases (ExAC no frequency). This sequence change creates a premature translational stop signal (p.Leu2527Valfs*21) in the DMD gene. It is expected to result in an absent or disrupted protein product.

Literature cited by the submitters: PubMed 16770791; PubMed 25007885.